The following is an entry in ClinVar:

ClinVar aggregate classification (germline): Likely pathogenic. Review status: criteria provided, multiple submitters, no conflicts (2 of 4 stars). 6 submissions from 6 submitters: Likely pathogenic (5). 1 of the submissions does not count toward it. Last evaluated 2025-07-09.

Conditions:
Agenesis of the corpus callosum with peripheral neuropathy (ACCPN). Also called: Hereditary Motor and Sensory Neuropathy with Agenesis of the Corpus Callosum; POLYNEUROPATHY, SENSORIMOTOR, WITH OR WITHOUT AGENESIS OF THE CORPUS CALLOSUM; HMSN/ACC; CHARLEVOIX DISEASE. Identifiers: Orphanet 1496, MedGen C0795950, MONDO:0000902, OMIM 218000. Disease mechanism: loss of function.
Charcot-Marie-Tooth disease, axonal, IIa 2II. Also called: Charcot-marie-tooth disease, axonal,IIa 2II; CHARCOT-MARIE-TOOTH NEUROPATHY, TYPE 2II; Charcot-Marie-Tooth disease, axonal, type 2II. Identifiers: MedGen C5774227, MONDO:0031068, OMIM 620068.

Allele frequency attached by ClinVar (database versions not stated): gnomAD exomes below 0.00001.
gnomAD v4.1: 1 of 1,609,910 alleles (0.000062%); highest among the groups gnomAD compares: Non-Finnish European, 0.000085%; no homozygotes.

Submissions (6):

GeneDx
Classification: Likely pathogenic. Last evaluated: 2025-07-09. Review status: criteria provided, single submitter. Criteria: GeneDx Variant Classification Process June 2021. Collection method: clinical testing. Allele origin: germline. Affected: yes.
Comment: Canonical splice site variant predicted to result in a null allele in a gene for which loss of function is a known mechanism of disease; Not observed at significant frequency in large population cohorts (gnomAD); Has not been previously published as pathogenic or benign to our knowledge

Natera, Inc.
Classification: Likely pathogenic for Andermann syndrome. Last evaluated: 2025-01-28. Review status: criteria provided, single submitter. Criteria: Natera Variant Classification Schema (03/2026). Collection method: clinical testing. Allele origin: germline.
Comment: The c.2437-2A>G variant in SLC12A6 is a canonical splice acceptor site variant predicted to affect pre-mRNA splicing, which may result in an abnormal transcript and altered protein product. This variant is expected to result in nonsense mediated decay, truncation, or a dysfunctional protein product. This variant is rare in the general population with a frequency below the threshold expected for the associated phenotype(s). Given the available evidence, this variant is classified as Likely Pathogenic.

Baylor Genetics
Classification: Likely pathogenic for Agenesis of the corpus callosum with peripheral neuropathy. Last evaluated: 2024-02-22. Review status: criteria provided, single submitter. Criteria: ACMG Guidelines, 2015. Collection method: clinical testing. Allele origin: unknown.

Fulgent Genetics
Classification: Likely pathogenic for Agenesis of the corpus callosum with peripheral neuropathy; Charcot-Marie-Tooth disease, axonal, IIa 2II. Last evaluated: 2024-02-08. Review status: criteria provided, single submitter. Criteria: ACMG Guidelines, 2015. Collection method: clinical testing. Allele origin: germline.

Labcorp Genetics (formerly Invitae), Labcorp
Classification: Likely pathogenic. Last evaluated: 2022-09-28. Review status: criteria provided, single submitter. Criteria: Invitae Variant Classification Sherloc (09022015). Collection method: clinical testing. Allele origin: germline.
Comment: In summary, the currently available evidence indicates that the variant is pathogenic, but additional data are needed to prove that conclusively. Therefore, this variant has been classified as Likely Pathogenic. Algorithms developed to predict the effect of sequence changes on RNA splicing suggest that this variant may disrupt the consensus splice site. ClinVar contains an entry for this variant (Variation ID: 370235). This variant has not been reported in the literature in individuals affected with SLC12A6-related conditions. This variant is not present in population databases (gnomAD no frequency). This sequence change affects an acceptor splice site in intron 18 of the SLC12A6 gene. It is expected to disrupt RNA splicing. Variants that disrupt the donor or acceptor splice site typically lead to a loss of protein function (PMID: 16199547), and loss-of-function variants in SLC12A6 are known to be pathogenic (PMID: 12368912, 16606917).

Counsyl
Classification: Likely pathogenic for Agenesis of the corpus callosum with peripheral neuropathy. Last evaluated: 2015-12-21. Review status: no assertion criteria provided. Collection method: clinical testing. Allele origin: unknown. Not counted in ClinVar's aggregate classification.

Literature cited by the submitters: PubMed 16199547 (cited by Labcorp Genetics (formerly Invitae), Labcorp); PubMed 12368912 (cited by Labcorp Genetics (formerly Invitae), Labcorp); PubMed 16606917 (cited by Labcorp Genetics (formerly Invitae), Labcorp).

NM_001365088.1(SLC12A6):c.2437-2A>G

Genes: SLC12A6 (solute carrier family 12 member 6; minus strand), LOC126862097 (P300/CBP strongly-dependent group 1 enhancer GRCh37_chr15:34531007-34532206; plus strand). Cytogenetic location: 15q14.
Variant type: single nucleotide variant.
Coding change: c.2437-2A>G on transcript NM_001365088.1 (MANE Select); the canonical splice acceptor site of the intron before coding-DNA position 2437, A replaced by G.
Molecular consequence: splice acceptor variant.
Genome position (GRCh38, 1-based): chr15:34,239,162, T>C on the plus strand (A>G on the coding strand, the complement: SLC12A6 is on the minus strand). VCF-style: chr15-34239162-T-C. GRCh37 (hg19) VCF-style: chr15-34531363-T-C.
Other names: c.2284-2A>G (NM_005135.2); c.2260-2A>G (NM_001042495.2, NM_001042494.2); c.2410-2A>G (NM_001042496.2); c.2392-2A>G (NM_001042497.2); c.2437-2A>G (NM_133647.2).
Identifiers: ClinVar variation 370235 (VCV000370235.16), dbSNP rs1057516337, ClinGen allele CA16041720.
Genomic context (GRCh38, chr15:34,239,162, plus strand): 5'-GCCACCACCAGCTGGCAGAATCCTTTTACCTTCTCTGCCTCCATTAGGTGCTTTATGGTC[T>C]GAAAGAGACACAGGACCGCAACACTGAACTGGTTCACTCTGGACATTTTAACCCATTGTT-3'